The following is an entry in ClinVar:

NM_012203.2(GRHPR):c.734+9G>A

Gene: GRHPR (glyoxylate and hydroxypyruvate reductase; plus strand). Cytogenetic location: 9p13.2.
Variant type: single nucleotide variant.
Coding change: c.734+9G>A on transcript NM_012203.2 (MANE Select); 9 bases into the intron after coding-DNA position 734, G replaced by A.
Molecular consequence: intron variant.
Genome position (GRCh38, 1-based): chr9:37,430,655, G>A. VCF-style: chr9-37430655-G-A. GRCh37 (hg19) VCF-style: chr9-37430652-G-A.
Other names: p.?.
Identifiers: ClinVar variation 204225 (VCV000204225.22), dbSNP rs56401536, ClinGen allele CA275875.
Genomic context (GRCh38, chr9:37,430,655, plus strand): 5'-AGGACTTCTTCCAGAAGATGAAGGAAACAGCTGTGTTCATCAACATCAGCAGGTATCCTA[G>A]GGCCACCTTACCCAGCAAGCCTGGAGAGGAGCCATCCCCACTGCTGCCATCTGGAGATTT-3'

ClinVar aggregate classification (germline): Benign/Likely benign. Review status: criteria provided, multiple submitters, no conflicts (2 of 4 stars). 8 submissions from 8 submitters: Benign (5); Likely benign (1). 2 of the submissions do not count toward it. Last evaluated 2026-02-04.

Conditions:
Primary hyperoxaluria, type II (HP2). Also called: D-GLYCERATE DEHYDROGENASE DEFICIENCY; GLYCERIC ACIDURIA; GLYOXYLATE REDUCTASE/HYDROXYPYRUVATE REDUCTASE DEFICIENCY; OXALOSIS II; Primary hyperoxaluria type 2. Identifiers: Orphanet 416, Orphanet 93599, MedGen C0268165, MONDO:0009824, OMIM 260000. Disease mechanism: loss of function.

Allele frequency attached by ClinVar (database versions not stated): gnomAD exomes 0.00435 and 0.01171; ExAC 0.01462; gnomAD 0.04451 and 0.04769; ESP Exome Variant Server 0.04676; TOPMed 0.05031; 1000 Genomes Project 0.05371; 1000 Genomes Project 30x 0.05606.
gnomAD v4.1: 13,500 of 1,612,824 alleles (0.84%); highest among the groups gnomAD compares: African/African-American, 15%; 918 homozygotes.

Submissions (8):

Labcorp Genetics (formerly Invitae), Labcorp
Classification: Benign. Last evaluated: 2026-02-04. Review status: criteria provided, single submitter. Criteria: Invitae Variant Classification Sherloc (09022015). Collection method: clinical testing. Allele origin: germline.

Mayo Clinic Laboratories, Mayo Clinic
Classification: Benign. Last evaluated: 2023-04-03. Review status: criteria provided, single submitter. Criteria: ACMG Guidelines, 2015. Collection method: clinical testing. Allele origin: germline. Observed: 7 variant alleles.

Fulgent Genetics
Classification: Likely benign for Primary hyperoxaluria, type II. Last evaluated: 2021-07-21. Review status: criteria provided, single submitter. Criteria: ACMG Guidelines, 2015. Collection method: clinical testing. Allele origin: unknown.

GeneDx
Classification: Benign. Last evaluated: 2020-04-09. Review status: criteria provided, single submitter. Criteria: GeneDx Variant Classification Process June 2021. Collection method: clinical testing. Allele origin: germline. Affected: yes.

Illumina Laboratory Services, Illumina
Classification: Benign for Primary hyperoxaluria, type II. Last evaluated: 2018-01-13. Review status: criteria provided, single submitter. Criteria: ICSL Variant Classification Criteria 13 December 2019. Collection method: clinical testing. Allele origin: germline.
Comment: This variant was observed in the ICSL laboratory as part of a predisposition screen in an ostensibly healthy population. It had not been previously curated by ICSL or reported in the Human Gene Mutation Database (HGMD: prior to June 1st, 2018), and was therefore a candidate for classification through an automated scoring system. Utilizing variant allele frequency, disease prevalence and penetrance estimates, and inheritance mode, an automated score was calculated to assess if this variant is too frequent to cause the disease. Based on the score and internal cut-off values, a variant classified as benign is not then subjected to further curation. The score for this variant resulted in a classification of benign for this disease.

Breakthrough Genomics
Classification: Benign. Review status: criteria provided, single submitter. Criteria: ACMG Guidelines, 2015. Collection method: not provided. Allele origin: germline. Inheritance: Autosomal recessive inheritance. Affected: yes.

Natera, Inc.
Classification: Benign for Primary hyperoxaluria type II. Last evaluated: 2019-12-02. Review status: no assertion criteria provided. Collection method: clinical testing. Allele origin: germline. Not counted in ClinVar's aggregate classification.

Clinical Biochemistry Laboratory, Health Services Laboratory
Classification: Uncertain significance for Primary hyperoxaluria, type II. Last evaluated: 2014-11-27. Review status: no assertion criteria provided. Collection method: research. Allele origin: germline. Affected: yes. Not counted in ClinVar's aggregate classification.